The following is an entry in ClinVar:

ClinVar aggregate classification (germline): Uncertain significance (1 of 4 stars; one submission).

Allele frequency attached by ClinVar (database versions not stated): gnomAD 0.00001; gnomAD exomes 0.00001; TOPMed 0.00001.
gnomAD v4.1: 10 of 1,577,848 alleles (0.00063%); highest among the groups gnomAD compares: Non-Finnish European, 0.00086%; no homozygotes.

Submission:

Labcorp Genetics (formerly Invitae), Labcorp
Classification: Uncertain significance. Last evaluated: 2022-03-14. Review status: criteria provided, single submitter. Criteria: Invitae Variant Classification Sherloc (09022015). Collection method: clinical testing. Allele origin: germline.
Comment: This variant has not been reported in the literature in individuals affected with HPCA-related conditions. This variant is not present in population databases (gnomAD no frequency). This sequence change replaces glutamine, which is neutral and polar, with histidine, which is basic and polar, at codon 184 of the HPCA protein (p.Gln184His). Algorithms developed to predict the effect of missense changes on protein structure and function are either unavailable or do not agree on the potential impact of this missense change (SIFT: "Tolerated"; PolyPhen-2: "Possibly Damaging"; Align-GVGD: "Class C0"). In summary, the available evidence is currently insufficient to determine the role of this variant in disease. Therefore, it has been classified as a Variant of Uncertain Significance.

NM_002143.3(HPCA):c.552G>T (p.Gln184His)

Gene: HPCA (hippocalcin; plus strand). Cytogenetic location: 1p35.1.
Variant type: single nucleotide variant.
Coding change: c.552G>T on transcript NM_002143.3 (MANE Select); coding-DNA position 552, G replaced by T.
Protein change: p.Gln184His; replaces glutamine 184 with histidine.
Molecular consequence: missense variant.
Genome position (GRCh38, 1-based): chr1:32,893,832, G>T. VCF-style: chr1-32893832-G-T. GRCh37 (hg19) VCF-style: chr1-33359433-G-T.
Other names: short protein forms Q184H.
Identifiers: ClinVar variation 1928434 (VCV001928434.5), dbSNP rs1260983522, ClinGen allele CA339682638.
Genomic context (GRCh38, chr1:32,893,832, plus strand): 5'-GTCCTTGGAGGAGTTCATCCGCGGGGCCAAAAGCGACCCGTCCATCGTGCGTCTGCTGCA[G>T]TGCGACCCCAGCAGCGCCTCCCAGTTCTGAGAGGAGCCAGGTTCCCCTTCCTCCCTCCCT-3'
Protein context (NP_002134.2, residues 174-193): KSDPSIVRLL[Gln184His]CDPSSASQF